The following is an entry in ClinVar:

NM_004006.3(DMD):c.10307G>A (p.Arg3436His)

Gene: DMD (dystrophin; minus strand). Cytogenetic location: Xp21.2.
Variant type: single nucleotide variant.
Coding change: c.10307G>A on transcript NM_004006.3 (MANE Select); coding-DNA position 10307, G replaced by A.
Protein change: p.Arg3436His; replaces arginine 3436 with histidine.
Molecular consequence: missense variant. On other transcripts: intron variant (2).
Genome position (GRCh38, 1-based): chrX:31,173,560, C>T on the plus strand (G>A on the coding strand, the complement: DMD is on the minus strand). VCF-style: chrX-31173560-C-T. GRCh37 (hg19) VCF-style: chrX-31191677-C-T.
Other names: c.10283G>A, p.Arg3428His (NM_000109.4); c.10295G>A, p.Arg3432His (NM_004009.3); c.9938G>A, p.Arg3313His (NM_004010.3); c.6284G>A, p.Arg2095His (NM_004011.4); c.6275G>A, p.Arg2092His (NM_004012.4); c.2927G>A, p.Arg976His (NM_004013.3, NM_004021.3); c.2120G>A, p.Arg707His (NM_004014.3); c.1103G>A, p.Arg368His (NM_004015.3, NM_004016.3); and 3 more; short protein forms R3313H, R3428H, R3432H, R707H, R2092H, R2095H, R3436H, R355H.
Identifiers: ClinVar variation 1770970 (VCV001770970.6), dbSNP rs372442975, ClinGen allele CA10377631.

ClinVar aggregate classification (germline): Uncertain significance. Review status: criteria provided, multiple submitters, no conflicts (2 of 4 stars). 2 submissions from 2 submitters: Uncertain significance (2). Last evaluated 2024-11-12.

Conditions:
Duchenne muscular dystrophy (DMD). Also called: MUSCULAR DYSTROPHY, PSEUDOHYPERTROPHIC PROGRESSIVE, DUCHENNE TYPE; Duchenne Muscular Dystrophy (DMD). Identifiers: Orphanet 98896, MedGen C0013264, MONDO:0010679, OMIM 310200.
Cardiovascular phenotype. Identifiers: MedGen CN230736.

Allele frequency attached by ClinVar (database versions not stated): ExAC 0.00001; TOPMed 0.00002; ESP Exome Variant Server 0.00009.
gnomAD v4.1: 8 of 1,208,425 alleles (0.00066%); highest among the groups gnomAD compares: Admixed American, 0.0066%; no homozygotes.

Submissions (2):

Labcorp Genetics (formerly Invitae), Labcorp
Classification: Uncertain significance for Duchenne muscular dystrophy. Last evaluated: 2024-11-12. Review status: criteria provided, single submitter. Criteria: Invitae Variant Classification Sherloc (09022015). Collection method: clinical testing. Allele origin: germline.
Comment: This sequence change replaces arginine, which is basic and polar, with histidine, which is basic and polar, at codon 3436 of the DMD protein (p.Arg3436His). This variant is present in population databases (rs372442975, gnomAD 0.008%). This variant has not been reported in the literature in individuals affected with DMD-related conditions. ClinVar contains an entry for this variant (Variation ID: 1770970). Invitae Evidence Modeling of protein sequence and biophysical properties (such as structural, functional, and spatial information, amino acid conservation, physicochemical variation, residue mobility, and thermodynamic stability) has been performed for this missense variant. However, the output from this modeling did not meet the statistical confidence thresholds required to predict the impact of this variant on DMD protein function. In summary, the available evidence is currently insufficient to determine the role of this variant in disease. Therefore, it has been classified as a Variant of Uncertain Significance.

Ambry Genetics
Classification: Uncertain significance for Cardiovascular phenotype. Last evaluated: 2021-04-23. Review status: criteria provided, single submitter. Criteria: Ambry Variant Classification Scheme 2023. Collection method: clinical testing. Allele origin: germline.
Comment: The p.R3436H variant (also known as c.10307G>A), located in coding exon 72 of the DMD gene, results from a G to A substitution at nucleotide position 10307. The arginine at codon 3436 is replaced by histidine, an amino acid with highly similar properties. Based on data from gnomAD, the A allele has an overall frequency of 0.001645% (3/182398) total alleles studied, with 1 hemizygote observed. The highest observed frequency was 0.007330% (2/27285) of Latino alleles. This amino acid position is highly conserved in available vertebrate species. In addition, this alteration is predicted to be deleterious by in silico analysis. Since supporting evidence is limited at this time, the clinical significance of this alteration remains unclear.